The following is an entry in ClinVar:

NM_001080.3(ALDH5A1):c.484T>C (p.Phe162Leu)

Gene: ALDH5A1 (aldehyde dehydrogenase 5 family member A1; plus strand). Cytogenetic location: 6p22.3.
Variant type: single nucleotide variant.
Coding change: c.484T>C on transcript NM_001080.3 (MANE Select); coding-DNA position 484, T replaced by C.
Protein change: p.Phe162Leu; replaces phenylalanine 162 with leucine.
Molecular consequence: missense variant.
Genome position (GRCh38, 1-based): chr6:24,503,308, T>C. VCF-style: chr6-24503308-T-C. GRCh37 (hg19) VCF-style: chr6-24503536-T-C.
Other names: c.484T>C, p.Phe162Leu (NM_001368954.1, NM_170740.1); short protein forms F162L.
Identifiers: ClinVar variation 4056967 (VCV004056967.1).
Genomic context (GRCh38, chr6:24,503,308, plus strand): 5'-TCTGATTTAATTTAGGGAAAGCCACTGAAGGAGGCACATGGAGAAATTCTCTATTCCGCC[T>C]TTTTCCTAGAGTGGTTCTCTGAGGAAGCCCGCCGTGTTTACGGAGACATTATCCACACCC-3'
Protein context (NP_001071.1, residues 152-172): EAHGEILYSA[Phe162Leu]FLEWFSEEAR

ClinVar aggregate classification (germline): Uncertain significance (1 of 4 stars; one submission).

gnomAD v4.1: 2 of 1,613,858 alleles (0.00012%); highest among the groups gnomAD compares: South Asian, 0.0011%; no homozygotes.

Submission:

GeneDx
Classification: Uncertain significance. Last evaluated: 2025-01-14. Review status: criteria provided, single submitter. Criteria: GeneDx Variant Classification Process June 2021. Collection method: clinical testing. Allele origin: germline. Affected: yes.
Comment: Not observed at significant frequency in large population cohorts (gnomAD); In silico analysis indicates that this missense variant does not alter protein structure/function; Has not been previously published as pathogenic or benign to our knowledge